The following is an entry in ClinVar:

ClinVar aggregate classification (germline): Uncertain significance. Review status: criteria provided, multiple submitters, no conflicts (2 of 4 stars). 3 submissions from 3 submitters: Uncertain significance (3). Last evaluated 2025-06-25.

Conditions:
Cardiovascular phenotype. Identifiers: MedGen CN230736.
Cardiomyopathy (CMYO). Also called: Cardiomyopathies. Identifiers: Orphanet 167848, MedGen C0878544, MONDO:0004994, HP:0001638. Inheritance: Various modes of inheritance.
Hypertrophic cardiomyopathy. Also called: HYPERTROPHIC MYOCARDIOPATHY. Identifiers: Orphanet 217569, MedGen C0007194, MeSH D002312, MONDO:0005045, HP:0001639.

Allele frequency attached by ClinVar (database versions not stated): TOPMed below 0.00001.
gnomAD v4.1: 2 of 1,614,090 alleles (0.00012%); highest among the groups gnomAD compares: African/African-American, 0.0027%; no homozygotes.

Submissions (3):

Color Diagnostics, LLC DBA Color Health
Classification: Uncertain significance for Cardiomyopathy. Last evaluated: 2025-06-25. Review status: criteria provided, single submitter. Criteria: ACMG Guidelines, 2015. Collection method: clinical testing. Allele origin: germline.
Comment: This missense variant replaces alanine with threonine at codon 1758 of the MYH7 protein. Computational prediction is inconclusive regarding the impact of this variant on protein structure and function. To our knowledge, functional studies have not been reported for this variant. This variant has not been reported in individuals affected with MYH7-related disorders in the literature. This variant has not been identified in the general population by the Genome Aggregation Database (gnomAD). The available evidence is insufficient to determine the role of this variant in disease conclusively. Therefore, this variant is classified as a Variant of Uncertain Significance.

Ambry Genetics
Classification: Uncertain significance for Cardiovascular phenotype. Last evaluated: 2024-12-23. Review status: criteria provided, single submitter. Criteria: Ambry Variant Classification Scheme 2023. Collection method: clinical testing. Allele origin: germline.
Comment: The p.A1758T variant (also known as c.5272G>A), located in coding exon 34 of the MYH7 gene, results from a G to A substitution at nucleotide position 5272. The alanine at codon 1758 is replaced by threonine, an amino acid with similar properties. This amino acid position is highly conserved in available vertebrate species. In addition, this alteration is predicted to be deleterious by in silico analysis. Based on the available evidence, the clinical significance of this variant remains unclear.

Labcorp Genetics (formerly Invitae), Labcorp
Classification: Uncertain significance for Hypertrophic cardiomyopathy. Last evaluated: 2022-03-18. Review status: criteria provided, single submitter. Criteria: Invitae Variant Classification Sherloc (09022015). Collection method: clinical testing. Allele origin: germline.
Comment: This sequence change replaces alanine, which is neutral and non-polar, with threonine, which is neutral and polar, at codon 1758 of the MYH7 protein (p.Ala1758Thr). This variant is not present in population databases (gnomAD no frequency). This variant has not been reported in the literature in individuals affected with MYH7-related conditions. ClinVar contains an entry for this variant (Variation ID: 570534). Algorithms developed to predict the effect of missense changes on protein structure and function are either unavailable or do not agree on the potential impact of this missense change (SIFT: "Deleterious"; PolyPhen-2: "Probably Damaging"; Align-GVGD: "Class C0"). In summary, the available evidence is currently insufficient to determine the role of this variant in disease. Therefore, it has been classified as a Variant of Uncertain Significance.

NM_000257.4(MYH7):c.5272G>A (p.Ala1758Thr)

Genes: MYH7 (myosin heavy chain 7; minus strand), LOC126861897 (BRD4-independent group 4 enhancer GRCh37_chr14:23884455-23885654; plus strand). Cytogenetic location: 14q11.2.
Variant type: single nucleotide variant.
Coding change: c.5272G>A on transcript NM_000257.4 (MANE Select); coding-DNA position 5272, G replaced by A.
Protein change: p.Ala1758Thr; replaces alanine 1758 with threonine.
Molecular consequence: missense variant.
Genome position (GRCh38, 1-based): chr14:23,415,392, C>T on the plus strand (G>A on the coding strand, the complement: MYH7 is on the minus strand). VCF-style: chr14-23415392-C-T. GRCh37 (hg19) VCF-style: chr14-23884601-C-T.
Other names: short protein forms A1758T.
Identifiers: ClinVar variation 570534 (VCV000570534.6), dbSNP rs878853839, ClinGen allele CA389036080.
Genomic context (GRCh38, chr14:23,415,392, plus strand): 5'-CCACGGAGAGACACTGGTCTGGATCGGGTCGGTGGAGTGGGGGACTTACATCCGTGATGG[C>T]CTTCTTGGCCTTCTCCTCAGCATTCCTGCACTCCTGCACTGCCTCCTCCACTTCAGTCTG-3'
Protein context (NP_000248.2, residues 1748-1768): CRNAEEKAKK[Ala1758Thr]ITDAAMMAEE